The following is an entry in ClinVar:

NM_181703.4(GJA5):c.722C>G (p.Pro241Arg)

Genes: GJA5 (gap junction protein alpha 5; minus strand), LOC122128420 (Sharpr-MPRA regulatory region 3144; plus strand). Cytogenetic location: 1q21.2.
Variant type: single nucleotide variant.
Coding change: c.722C>G on transcript NM_181703.4 (MANE Select); coding-DNA position 722, C replaced by G.
Protein change: p.Pro241Arg; replaces proline 241 with arginine.
Molecular consequence: missense variant.
Genome position (GRCh38, 1-based): chr1:147,758,517, G>C on the plus strand (C>G on the coding strand, the complement: GJA5 is on the minus strand). VCF-style: chr1-147758517-G-C. GRCh37 (hg19) VCF-style: chr1-147230625-G-C.
Other names: c.722C>G, p.Pro241Arg (NM_005266.7); short protein forms P241R.
Identifiers: ClinVar variation 2064912 (VCV002064912.4), dbSNP rs782706541, ClinGen allele CA1065728.

ClinVar aggregate classification (germline): Uncertain significance (1 of 4 stars; one submission).

Conditions:
Atrial fibrillation, familial, 11 (ATFB11). Identifiers: MedGen C3279693, MONDO:0013544, OMIM 614049.
Atrial standstill 1 (ATRST1). Also called: ATRIAL CARDIOMYOPATHY WITH HEART BLOCK; CARDIOMYOPATHY, FAMILIAL, WITH CONDUCTION DISTURBANCE; Atrial standstill, digenic (GJA5/SCN5A). Identifiers: Orphanet 1344, MedGen C4551959, MONDO:0007171, OMIM 108770.

Allele frequency attached by ClinVar (database versions not stated): ExAC 0.00001.
gnomAD v4.1: 21 of 1,613,866 alleles (0.0013%); highest among the groups gnomAD compares: South Asian, 0.0022%; no homozygotes.

Submission:

Labcorp Genetics (formerly Invitae), Labcorp
Classification: Uncertain significance for Atrial fibrillation, familial, 11; Atrial standstill 1. Last evaluated: 2025-06-15. Review status: criteria provided, single submitter. Criteria: Invitae Variant Classification Sherloc (09022015). Collection method: clinical testing. Allele origin: germline.
Comment: This sequence change replaces proline, which is neutral and non-polar, with arginine, which is basic and polar, at codon 241 of the GJA5 protein (p.Pro241Arg). This variant is present in population databases (rs782706541, gnomAD 0.003%). This variant has not been reported in the literature in individuals affected with GJA5-related conditions. ClinVar contains an entry for this variant (Variation ID: 2064912). Invitae Evidence Modeling of protein sequence and biophysical properties (such as structural, functional, and spatial information, amino acid conservation, physicochemical variation, residue mobility, and thermodynamic stability) indicates that this missense variant is not expected to disrupt GJA5 protein function with a negative predictive value of 80%. In summary, the available evidence is currently insufficient to determine the role of this variant in disease. Therefore, it has been classified as a Variant of Uncertain Significance.